The following is an entry in ClinVar:

ClinVar aggregate classification (germline): Uncertain significance (1 of 4 stars; one submission).

Submission:

Women's Health and Genetics/Laboratory Corporation of America, LabCorp
Classification: Uncertain significance. Last evaluated: 2025-09-03. Review status: criteria provided, single submitter. Criteria: LabCorp Variant Classification Summary - May 2015. Collection method: clinical testing. Allele origin: germline.
Comment: Variant summary: GYS1 c.824-10C>A alters a non-conserved nucleotide located at a position not widely known to affect splicing. Several computational tools predict a significant impact on normal splicing: Two predict the variant abolishes a 3' acceptor site. One predicts the variant weakens a 3' acceptor site. However, these predictions have yet to be confirmed by functional studies. The variant was absent in 251390 control chromosomes. The available data on variant occurrences in the general population are insufficient to allow any conclusion about variant significance. To our knowledge, no occurrence of c.824-10C>A in individuals affected with GYS1-related conditions and no experimental evidence demonstrating its impact on protein function have been reported. No submitters have cited clinical-significance assessments for this variant to ClinVar. Based on the evidence outlined above, the variant was classified as uncertain significance.

NM_002103.5(GYS1):c.824-10C>A

Gene: GYS1 (glycogen synthase 1; minus strand). Cytogenetic location: 19q13.33.
Variant type: single nucleotide variant.
Coding change: c.824-10C>A on transcript NM_002103.5 (MANE Select); 10 bases into the intron before coding-DNA position 824, C replaced by A.
Molecular consequence: intron variant.
Genome position (GRCh38, 1-based): chr19:48,982,847, G>T on the plus strand (C>A on the coding strand, the complement: GYS1 is on the minus strand). VCF-style: chr19-48982847-G-T. GRCh37 (hg19) VCF-style: chr19-49486104-G-T.
Other names: c.632-10C>A (NM_001161587.2).
Identifiers: ClinVar variation 4535866 (VCV004535866.1).
Genomic context (GRCh38, chr19:48,982,847, plus strand): 5'-CATGCATGGCAGAAAACTTCTTCACATTCAGCCCATTGGGGGTCACAATATCTGGGATTG[G>T]GGGTGAGGGTCCCATGTTTTATTTGTTCATTCAGATCAATGTTGTGGTTGAATGAATAAA-3'